The following is an entry in ClinVar:

NM_000368.5(TSC1):c.269T>C (p.Leu90Pro)

Gene: TSC1 (TSC complex subunit 1; minus strand). Cytogenetic location: 9q34.13.
Variant type: single nucleotide variant.
Coding change: c.269T>C on transcript NM_000368.5 (MANE Select); coding-DNA position 269, T replaced by C.
Protein change: p.Leu90Pro; replaces leucine 90 with proline.
Molecular consequence: missense variant. On other transcripts: 5 prime UTR variant (1), intron variant (1).
Genome position (GRCh38, 1-based): chr9:132,925,681, A>G on the plus strand (T>C on the coding strand, the complement: TSC1 is on the minus strand). VCF-style: chr9-132925681-A-G. GRCh37 (hg19) VCF-style: chr9-135801068-A-G.
Other names: c.269T>C, p.Leu90Pro (NM_001162426.2, NM_001406592.1, NM_001406593.1 and 16 more transcripts); c.-95T>C (NM_001362177.2, NM_001406617.1, NM_001406618.1 and 5 more transcripts); c.-187T>C (NM_001406614.1, NM_001406616.1, NM_001406624.1); c.-220T>C (NM_001406615.1, NM_001406623.1); c.-609T>C (NM_001406626.1, NM_001406627.1, NM_001406628.1); c.-751T>C (NM_001406629.1); c.-825T>C (NM_001406630.1); c.210+1520T>C (NM_001162427.2); short protein forms L90P.
Identifiers: ClinVar variation 2036248 (VCV002036248.6), dbSNP rs2132235475, ClinGen allele CA375374643.

ClinVar aggregate classification (germline): Conflicting classifications of pathogenicity. Review status: criteria provided, conflicting classifications (1 of 4 stars). 3 submissions from 3 submitters: Likely pathogenic (1); Uncertain significance (2). Last evaluated 2025-07-21.

Conditions:
Hereditary cancer-predisposing syndrome. Also called: Tumor predisposition; Neoplastic Syndromes, Hereditary; Hereditary neoplastic syndrome; Hereditary Cancer Syndrome. Identifiers: Orphanet 140162, MedGen C0027672, MeSH D009386, MONDO:0015356.
TSC1-related disorder. Also called: TSC1-related condition.
Tuberous sclerosis 1 (TSC1). Identifiers: Orphanet 805, MedGen C1854465, MONDO:0008612, OMIM 191100.

Submissions (3):

Ambry Genetics
Classification: Likely pathogenic for Hereditary cancer-predisposing syndrome. Last evaluated: 2025-07-21. Review status: criteria provided, single submitter. Criteria: Ambry Variant Classification Scheme 2023. Collection method: clinical testing. Allele origin: germline.
Comment: The p.L90P variant (also known as c.269T>C), located in coding exon 3 of the TSC1 gene, results from a T to C substitution at nucleotide position 269. The leucine at codon 90 is replaced by proline, an amino acid with similar properties. This variant was reported in individuals with features consistent with Tuberous sclerosis complex (external communication; Ambry internal data). This amino acid position is conserved. In addition, this alteration is predicted to be deleterious by in silico analysis. This variant is considered to be rare based on population cohorts in the Genome Aggregation Database (gnomAD). Based on the majority of available evidence to date, this variant is likely to be pathogenic.

PreventionGenetics, part of Exact Sciences
Classification: Uncertain significance for TSC1-related condition. Last evaluated: 2025-04-04. Review status: criteria provided, single submitter. Criteria: ACMG Guidelines, 2015. Collection method: clinical testing. Allele origin: germline.
Comment: The TSC1 c.269T>C variant is predicted to result in the amino acid substitution p.Leu90Pro. To our knowledge, this variant has not been reported in the literature or in a large population database (gnomAD), indicating this variant is rare. A different missense change impacting the same amino acid (c.269T>G, p.Leu90Arg) has been reported in three patients with tuberous sclerosis complex (Table S2, Peron et al. 2018. PubMed ID: 29432982). At this time, the clinical significance of the c.269T>C (p.Leu90Pro) variant is uncertain due to the absence of conclusive functional and genetic evidence.

Labcorp Genetics (formerly Invitae), Labcorp
Classification: Uncertain significance for Tuberous sclerosis 1. Last evaluated: 2022-10-20. Review status: criteria provided, single submitter. Criteria: Invitae Variant Classification Sherloc (09022015). Collection method: clinical testing. Allele origin: germline.
Comment: In summary, the available evidence is currently insufficient to determine the role of this variant in disease. Therefore, it has been classified as a Variant of Uncertain Significance. This variant disrupts the p.Leu90 amino acid residue in TSC1. Other variant(s) that disrupt this residue have been observed in individuals with TSC1-related conditions (PMID: 29432982), which suggests that this may be a clinically significant amino acid residue. Advanced modeling of protein sequence and biophysical properties (such as structural, functional, and spatial information, amino acid conservation, physicochemical variation, residue mobility, and thermodynamic stability) has been performed at Invitae for this missense variant, however the output from this modeling did not meet the statistical confidence thresholds required to predict the impact of this variant on TSC1 protein function. This missense change has been observed in individual(s) with clinical features of tuberous sclerosis complex (Invitae). This variant is not present in population databases (gnomAD no frequency). This sequence change replaces leucine, which is neutral and non-polar, with proline, which is neutral and non-polar, at codon 90 of the TSC1 protein (p.Leu90Pro).

Literature cited by the submitters: PubMed 29432982 (cited by Labcorp Genetics (formerly Invitae), Labcorp).